The following is an entry in ClinVar:

NM_022455.5(NSD1):c.5398G>C (p.Gly1800Arg)

Genes: NSD1 (nuclear receptor binding SET domain protein 1; plus strand), LOC126807619 (MED14-independent group 3 enhancer GRCh37_chr5:176696443-176697642; plus strand). Cytogenetic location: 5q35.3.
Variant type: single nucleotide variant.
Coding change: c.5398G>C on transcript NM_022455.5 (MANE Select); coding-DNA position 5398, G replaced by C.
Protein change: p.Gly1800Arg; replaces glycine 1800 with arginine.
Molecular consequence: missense variant.
Genome position (GRCh38, 1-based): chr5:177,269,696, G>C. VCF-style: chr5-177269696-G-C. GRCh37 (hg19) VCF-style: chr5-176696697-G-C.
Other names: c.4525G>C, p.Gly1509Arg (NM_001365684.2, NM_001409308.1, NM_001409309.1 and 1 more transcripts); c.5398G>C, p.Gly1800Arg (NM_001409301.1, NM_001409302.1, NM_001409303.1); c.4978G>C, p.Gly1660Arg (NM_001409304.1); c.4645G>C, p.Gly1549Arg (NM_001409305.1); c.4636G>C, p.Gly1546Arg (NM_001409306.1, NM_001409307.1); short protein forms G1531R, G1800R, G1546R, G1549R, G1660R, G1509R.
Identifiers: ClinVar variation 1066832 (VCV001066832.9), dbSNP rs2149934419, ClinGen allele CA362306942.

ClinVar aggregate classification (germline): Likely pathogenic (1 of 4 stars; one submission).

Submission:

Labcorp Genetics (formerly Invitae), Labcorp
Classification: Likely pathogenic. Last evaluated: 2018-05-02. Review status: criteria provided, single submitter. Criteria: Invitae Variant Classification Sherloc (09022015). Collection method: clinical testing. Allele origin: germline.
Comment: In summary, the currently available evidence indicates that the variant is pathogenic, but additional data are needed to prove that conclusively. Therefore, this variant has been classified as Likely Pathogenic. Algorithms developed to predict the effect of missense changes on protein structure and function do not agree on the potential impact of this missense change (SIFT: "Deleterious"; PolyPhen-2: "Probably Damaging"; Align-GVGD: "Class C0"). This variant is not present in population databases (ExAC no frequency). This sequence change replaces glycine with arginine at codon 1800 of the NSD1 protein (p.Gly1800Arg). The glycine residue is moderately conserved and there is a moderate physicochemical difference between glycine and arginine.